The following is an entry in ClinVar:

NM_001844.5(COL2A1):c.4463A>C (p.Ter1488Ser)

Gene: COL2A1 (collagen type II alpha 1 chain; minus strand). Cytogenetic location: 12q13.11.
Variant type: single nucleotide variant.
Coding change: c.4463A>C on transcript NM_001844.5 (MANE Select); coding-DNA position 4463, A replaced by C.
Protein change: p.Ter1488Ser.
Molecular consequence: stop lost.
Genome position (GRCh38, 1-based): chr12:47,973,408, T>G on the plus strand (A>C on the coding strand, the complement: COL2A1 is on the minus strand). VCF-style: chr12-47973408-T-G. GRCh37 (hg19) VCF-style: chr12-48367191-T-G.
Other names: c.4256A>C, p.Ter1419Ser (NM_033150.3).
Identifiers: ClinVar variation 2865973 (VCV002865973.3), dbSNP rs1592192783, ClinGen allele CA384533064.
Genomic context (GRCh38, chr12:47,973,408, plus strand): 5'-GGAAAGTACTTGGGTCCTTTGGGTTTGCAACGGATTGTGTTGTTTCTGGGTTCAGGTTTT[T>G]ACAAGAAGCAGACCGGCCCTATGTCCACACCGAATTCCTGCTCGGGCCCTCCTATGTCCA-3'

ClinVar aggregate classification (germline): Uncertain significance (1 of 4 stars; one submission).

Submission:

Labcorp Genetics (formerly Invitae), Labcorp
Classification: Uncertain significance. Last evaluated: 2023-05-19. Review status: criteria provided, single submitter. Criteria: Invitae Variant Classification Sherloc (09022015). Collection method: clinical testing. Allele origin: germline.
Comment: In summary, the available evidence is currently insufficient to determine the role of this variant in disease. Therefore, it has been classified as a Variant of Uncertain Significance. This variant has not been reported in the literature in individuals affected with COL2A1-related conditions. This variant is not present in population databases (gnomAD no frequency). This sequence change disrupts the translational stop signal of the COL2A1 mRNA. It is expected to extend the length of the COL2A1 protein by 34 additional amino acid residues.